The following is an entry in ClinVar:

NM_000026.4(ADSL):c.10G>A (p.Gly4Arg)

Gene: ADSL (adenylosuccinate lyase; plus strand). Cytogenetic location: 22q13.1.
Variant type: single nucleotide variant.
Coding change: c.10G>A on transcript NM_000026.4 (MANE Select); coding-DNA position 10, G replaced by A.
Protein change: p.Gly4Arg; replaces glycine 4 with arginine.
Molecular consequence: missense variant. On other transcripts: 5 prime UTR variant (1), non-coding transcript variant (1).
Genome position (GRCh38, 1-based): chr22:40,346,568, G>A. VCF-style: chr22-40346568-G-A. GRCh37 (hg19) VCF-style: chr22-40742572-G-A.
Other names: c.10G>A, p.Gly4Arg (NM_001123378.3, NM_001363840.3); c.-128G>A (NM_001317923.2); short protein forms G4R.
Identifiers: ClinVar variation 1351798 (VCV001351798.6), dbSNP rs2146612211, ClinGen allele CA411632576.

ClinVar aggregate classification (germline): Uncertain significance (1 of 4 stars; one submission).

Conditions:
Adenylosuccinate lyase deficiency (ADSLD). Also called: ADSL DEFICIENCY. Identifiers: Orphanet 46, MedGen C0268126, MONDO:0007068, OMIM 103050.

Allele frequency attached by ClinVar (database versions not stated): gnomAD exomes below 0.00001.

Submission:

Labcorp Genetics (formerly Invitae), Labcorp
Classification: Uncertain significance for Adenylosuccinate lyase deficiency. Last evaluated: 2023-11-13. Review status: criteria provided, single submitter. Criteria: Invitae Variant Classification Sherloc (09022015). Collection method: clinical testing. Allele origin: germline.
Comment: This sequence change replaces glycine, which is neutral and non-polar, with arginine, which is basic and polar, at codon 4 of the ADSL protein (p.Gly4Arg). This variant is not present in population databases (gnomAD no frequency). This variant has not been reported in the literature in individuals affected with ADSL-related conditions. ClinVar contains an entry for this variant (Variation ID: 1351798). Advanced modeling of protein sequence and biophysical properties (such as structural, functional, and spatial information, amino acid conservation, physicochemical variation, residue mobility, and thermodynamic stability) performed at Invitae indicates that this missense variant is not expected to disrupt ADSL protein function with a negative predictive value of 95%. In summary, the available evidence is currently insufficient to determine the role of this variant in disease. Therefore, it has been classified as a Variant of Uncertain Significance.